The following is an entry in ClinVar:

NM_020738.4(KIDINS220):c.3585+4A>G

Gene: KIDINS220 (kinase D interacting substrate 220; minus strand). Cytogenetic location: 2p25.1.
Variant type: single nucleotide variant.
Coding change: c.3585+4A>G on transcript NM_020738.4 (MANE Select); 4 bases into the intron after coding-DNA position 3585, A replaced by G.
Molecular consequence: intron variant.
Genome position (GRCh38, 1-based): chr2:8,747,141, T>C on the plus strand (A>G on the coding strand, the complement: KIDINS220 is on the minus strand). VCF-style: chr2-8747141-T-C. GRCh37 (hg19) VCF-style: chr2-8887271-T-C.
Other names: c.3585+4A>G (NM_020738.2); c.3414+2971A>G (NM_001348741.2, NM_001348742.2, NM_001348743.2 and 1 more transcripts); c.3528+746A>G (NM_001348738.2, NM_001348732.2); c.3417+2971A>G (NM_001348739.2, NM_001348740.2, NM_001348734.2); c.3531+746A>G (NM_001348731.2); c.3588+4A>G (NM_001348729.2); c.3288+2971A>G (NM_001348736.2).
Identifiers: ClinVar variation 1443909 (VCV001443909.10), dbSNP rs767119807, ClinGen allele CA1519593.

ClinVar aggregate classification (germline): Conflicting classifications of pathogenicity. Review status: criteria provided, conflicting classifications (1 of 4 stars). 3 submissions from 3 submitters: Uncertain significance (2); Likely benign (1). Last evaluated 2026-02-10.

Conditions:
Early onset severe obesity. Identifiers: MedGen C4013980.
KIDINS220-related disorder. Also called: KIDINS220-related condition.

Allele frequency attached by ClinVar (database versions not stated): ExAC 0.00002; gnomAD exomes 0.00002 and 0.00005; gnomAD 0.00005; TOPMed 0.00006.

Submissions (4):

PreventionGenetics, part of Exact Sciences
Classification: Uncertain significance for KIDINS220-related condition. Last evaluated: 2026-02-10. Review status: criteria provided, single submitter. Criteria: ACMG Guidelines, 2015. Collection method: clinical testing. Allele origin: germline.
Comment: The KIDINS220 c.3585+4A>G variant is predicted to interfere with splicing. To our knowledge, this variant has not been reported in the literature. This variant is predicted to alter splicing based on available splicing prediction programs (SpliceAI, Jaganathan et al. 2019. PubMed ID: 30661751). However, the use of computer prediction programs is not equivalent to functional evidence. This variant is reported in 0.0085% of alleles in individuals of Latino descent in gnomAD. At this time, the clinical significance of this variant is uncertain due to the absence of conclusive functional and genetic evidence.

Labcorp Genetics (formerly Invitae), Labcorp
Classification: Uncertain significance. Last evaluated: 2025-10-13. Review status: criteria provided, single submitter. Criteria: Invitae Variant Classification Sherloc (09022015). Collection method: clinical testing. Allele origin: germline.
Comment: This sequence change falls in intron 26 of the KIDINS220 gene. It does not directly change the encoded amino acid sequence of the KIDINS220 protein. It affects a nucleotide within the consensus splice site. This variant is present in population databases (rs767119807, gnomAD 0.006%). This variant has not been reported in the literature in individuals affected with KIDINS220-related conditions. ClinVar contains an entry for this variant (Variation ID: 1443909). Variants that disrupt the consensus splice site are a relatively common cause of aberrant splicing (PMID: 17576681, 9536098). Algorithms developed to predict the effect of sequence changes on RNA splicing suggest that this variant may disrupt the consensus splice site. In summary, the available evidence is currently insufficient to determine the role of this variant in disease. Therefore, it has been classified as a Variant of Uncertain Significance.

Cambridge Genomics Laboratory, East Genomic Laboratory Hub, NHS Genomic Medicine Service
Classification: Likely benign for Severe early-onset obesity. Last evaluated: 2024-12-04. Review status: criteria provided, single submitter. Criteria: ACGS Best Practice Guidelines for Variant Classification in Rare Disease 2020. Collection method: clinical testing. Allele origin: germline. Affected: yes.
Comment: PP3,BS1_Strong

Dr. Peter K. Rogan Lab, Western University
No classification provided (evidence only). Condition: Ovarian serous cystadenocarcinoma. Review status: no classification provided. Collection method: in vitro. Allele origin: not applicable. Functional consequence: retained intron. Not counted in ClinVar's aggregate classification.

Literature cited by the submitters: PubMed 17576681 (cited by Labcorp Genetics (formerly Invitae), Labcorp); PubMed 9536098 (cited by Labcorp Genetics (formerly Invitae), Labcorp).